The following is an entry in ClinVar:

NM_001377.3(DYNC2H1):c.12122delinsGATTGAGG (p.Ser4041Ter)

Gene: DYNC2H1 (dynein cytoplasmic 2 heavy chain 1; plus strand). Cytogenetic location: 11q22.3.
Variant type: Indel.
Coding change: c.12122delinsGATTGAGG on transcript NM_001377.3 (MANE Select); coding-DNA position 12122, C replaced by GATTGAGG.
Protein change: p.Ser4041Ter; replaces serine 4041 with a stop codon.
Molecular consequence: nonsense.
Genome position (GRCh38, 1-based): chr11:103,358,325, C replaced by GATTGAGG. VCF-style: chr11-103358325-C-GATTGAGG. GRCh37 (hg19) VCF-style: chr11-103229053-C-GATTGAGG.
Other names: c.12143delinsGATTGAGG, p.Ser4048Ter (NM_001080463.2); short protein forms S4041*, S4048*.
Identifiers: ClinVar variation 4081638 (VCV004081638.1).

ClinVar aggregate classification (germline): Pathogenic (1 of 4 stars; one submission).

Conditions:
Asphyxiating thoracic dystrophy 3. Also called: SHORT-RIB THORACIC DYSPLASIA 3 WITH OR WITHOUT POLYDACTYLY; SHORT-RIB THORACIC DYSPLASIA 3/6 WITH POLYDACTYLY, DIGENIC; POLYDACTYLY WITH NEONATAL CHONDRODYSTROPHY, TYPE I; Short rib polydactyly syndrome 2B; Saldino-Noonan Syndrome. Identifiers: Orphanet 474, Orphanet 93269, Orphanet 93270, Orphanet 93271, MedGen C0036069, MONDO:0013127, OMIM 613091.

Submission:

Myriad Genetics, Inc.
Classification: Pathogenic for Asphyxiating thoracic dystrophy 3. Last evaluated: 2025-06-25. Review status: criteria provided, single submitter. Criteria: Myriad Autosomal Dominant, Autosomal Recessive and X-Linked Classification Criteria (2023). Collection method: clinical testing. Allele origin: unknown.
Comment: NM_001377.2(DYNC2H1):c.12122del1ins8(S4041*) is a frameshift variant classified as pathogenic in the context of DYNC2H1-related disorders. S4041* has not been observed in cases with relevant disease. Relevant functional assessments of this variant are not available in the literature. S4041* has not been observed in referenced population frequency databases. In summary, NM_001377.2(DYNC2H1):c.12122del1ins8(S4041*) is a frameshift variant in a gene where loss of function is a known mechanism of disease and is predicted to disrupt protein function. Please note: this variant was assessed in the context of healthy population screening.